The following is an entry in ClinVar:

ClinVar aggregate classification (germline): Pathogenic (1 of 4 stars; one submission).

Conditions:
Long QT syndrome (LQTS). Identifiers: MedGen C0023976, MeSH D008133, MONDO:0002442. Disease mechanism: loss of function. Inheritance: Various modes of inheritance.

Submission:

Labcorp Genetics (formerly Invitae), Labcorp
Classification: Pathogenic for Long QT syndrome. Last evaluated: 2023-06-19. Review status: criteria provided, single submitter. Criteria: Invitae Variant Classification Sherloc (09022015). Collection method: clinical testing. Allele origin: germline.
Comment: This variant is not present in population databases (gnomAD no frequency). For these reasons, this variant has been classified as Pathogenic. This variant disrupts the p.Trp305 amino acid residue in KCNQ1. Other variant(s) that disrupt this residue have been determined to be pathogenic (PMID: 9312006, 9781056, 10090886, 19490272, 21451124, 26344792). This suggests that this residue is clinically significant, and that variants that disrupt this residue are likely to be disease-causing. Advanced modeling of protein sequence and biophysical properties (such as structural, functional, and spatial information, amino acid conservation, physicochemical variation, residue mobility, and thermodynamic stability) performed at Invitae indicates that this missense variant is expected to disrupt KCNQ1 protein function. This missense change has been observed in individuals with Long QT syndrome (PMID: 19841300; Invitae). This sequence change replaces tryptophan, which is neutral and slightly polar, with arginine, which is basic and polar, at codon 305 of the KCNQ1 protein (p.Trp305Arg).

Literature cited by the submitters: PubMed 9312006; PubMed 9781056; PubMed 10090886; PubMed 19490272; PubMed 21451124; PubMed 26344792; PubMed 19841300.

NM_000218.3(KCNQ1):c.913T>A (p.Trp305Arg)

Gene: KCNQ1 (potassium voltage-gated channel subfamily Q member 1; plus strand). Cytogenetic location: 11p15.5.
Variant type: single nucleotide variant.
Coding change: c.913T>A on transcript NM_000218.3 (MANE Select); coding-DNA position 913, T replaced by A.
Protein change: p.Trp305Arg; replaces tryptophan 305 with arginine.
Molecular consequence: missense variant. On other transcripts: intron variant (1).
Genome position (GRCh38, 1-based): chr11:2,572,978, T>A. VCF-style: chr11-2572978-T-A. GRCh37 (hg19) VCF-style: chr11-2594208-T-A.
Other names: c.913T>A, p.Trp305Arg (NM_001406836.1); c.643T>A, p.Trp215Arg (NM_001406837.1); c.532T>A, p.Trp178Arg (NM_181798.2); c.478-10457T>A (NM_001406838.1); short protein forms W178R, W305R, W215R.
Identifiers: ClinVar variation 2719407 (VCV002719407.3), dbSNP rs199472741, ClinGen allele CA379131765.